The following is an entry in ClinVar:

NM_001282680.3(GAPVD1):c.3304G>T (p.Ala1102Ser)

Gene: GAPVD1 (GTPase activating protein and VPS9 domains 1; plus strand). Cytogenetic location: 9q33.3.
Variant type: single nucleotide variant.
Coding change: c.3304G>T on transcript NM_001282680.3 (MANE Select); coding-DNA position 3304, G replaced by T.
Protein change: p.Ala1102Ser; replaces alanine 1102 with serine.
Molecular consequence: missense variant. On other transcripts: non-coding transcript variant (2).
Genome position (GRCh38, 1-based): chr9:125,350,299, G>T. VCF-style: chr9-125350299-G-T. GRCh37 (hg19) VCF-style: chr9-128112578-G-T.
Other names: c.3358G>T, p.Ala1120Ser (NM_001282679.2); c.3241G>T, p.Ala1081Ser (NM_001282681.3, NM_001354297.2, NM_001354300.2); c.3160G>T, p.Ala1054Ser (NM_001330777.3); c.3223G>T, p.Ala1075Ser (NM_001330778.3); c.3304G>T, p.Ala1102Ser (NM_001354294.2, NM_001354295.2, NM_001354296.2 and 3 more transcripts); c.3385G>T, p.Ala1129Ser (NM_015635.4); short protein forms A1054S, A1075S, A1081S, A1102S, A1120S, A1129S.
Identifiers: ClinVar variation 3034432 (VCV003034432.2), dbSNP rs141367248, ClinGen allele CA5240722.

ClinVar aggregate classification (germline): Likely benign (0 of 4 stars; one submission).

Conditions:
GAPVD1-related disorder. Also called: GAPVD1-related condition.

Allele frequency attached by ClinVar (database versions not stated): TOPMed 0.00008; ESP Exome Variant Server 0.00015; ExAC 0.00018; gnomAD exomes 0.00019; gnomAD 0.00021.
gnomAD v4.1: 289 of 1,574,684 alleles (0.018%); highest among the groups gnomAD compares: Non-Finnish European, 0.013%; no homozygotes.

Submission:

PreventionGenetics, part of Exact Sciences
Classification: Likely benign for GAPVD1-related condition. Last evaluated: 2022-05-12. Review status: no assertion criteria provided. Collection method: clinical testing. Allele origin: germline.
Comment: This variant is classified as likely benign based on ACMG/AMP sequence variant interpretation guidelines (Richards et al. 2015 PMID: 25741868, with internal and published modifications).